The following is an entry in ClinVar:

NM_004415.4(DSP):c.329_330delinsAA (p.Cys110Ter)

Gene: DSP (desmoplakin; plus strand). Cytogenetic location: 6p24.3.
Variant type: Indel.
Coding change: c.329_330delinsAA on transcript NM_004415.4 (MANE Select); coding-DNA positions 329 to 330, GT replaced by AA.
Protein change: p.Cys110Ter; replaces cysteine 110 with a stop codon.
Molecular consequence: nonsense.
Genome position (GRCh38, 1-based): chr6:7,558,171-7,558,172, GT replaced by AA. VCF-style: chr6-7558171-GT-AA. GRCh37 (hg19) VCF-style: chr6-7558404-GT-AA.
Other names: c.329_330delinsAA (NM_004415.2); c.329_330delGTinsAA (LRG_423t1); c.329_330delinsAA, p.Cys110Ter (NM_001008844.3, NM_001319034.2); short protein forms C110*.
Identifiers: ClinVar variation 566602 (VCV000566602.10), dbSNP rs1561680649, ClinGen allele CA891843293.

ClinVar aggregate classification (germline): Pathogenic (1 of 4 stars; one submission).

Conditions:
Arrhythmogenic cardiomyopathy with wooly hair and keratoderma. Also called: Arrhythmogenic cardiomyopathy with woolly hair and keratoderma; PALMOPLANTAR KERATODERMA WITH LEFT VENTRICULAR CARDIOMYOPATHY AND WOOLLY HAIR; Carvajal syndrome; Dilated cardiomyopathy with woolly hair and keratoderma. Identifiers: Orphanet 65282, MedGen C1854063, MONDO:0011581, OMIM 605676.
Arrhythmogenic right ventricular dysplasia 8 (ARVD8). Also called: ARRHYTHMOGENIC RIGHT VENTRICULAR DYSPLASIA, FAMILIAL, 8; ARRHYTHMOGENIC RIGHT VENTRICULAR CARDIOMYOPATHY 8; Arrhythmogenic Right Ventricular Dysplasia/Cardiomyopathy 8. Identifiers: MedGen C1843896, MONDO:0011831, OMIM 607450.

Submission:

Labcorp Genetics (formerly Invitae), Labcorp
Classification: Pathogenic for Arrhythmogenic cardiomyopathy with wooly hair and keratoderma; Arrhythmogenic right ventricular dysplasia 8. Last evaluated: 2021-05-31. Review status: criteria provided, single submitter. Criteria: Invitae Variant Classification Sherloc (09022015). Collection method: clinical testing. Allele origin: germline.
Comment: For these reasons, this variant has been classified as Pathogenic. Loss-of-function variants in DSP are known to be pathogenic (PMID: 20716751, 24503780, 25227139). This variant has not been reported in the literature in individuals with DSP-related disease. This variant is not present in population databases (ExAC no frequency). This sequence change creates a premature translational stop signal (p.Cys110*) in the DSP gene. It is expected to result in an absent or disrupted protein product.

Literature cited by the submitters: PubMed 20716751; PubMed 24503780; PubMed 25227139.